The following is an entry in ClinVar:

NM_000441.2(SLC26A4):c.530A>C (p.Asp177Ala)

Gene: SLC26A4 (solute carrier family 26 member 4; plus strand). Cytogenetic location: 7q22.3.
Variant type: single nucleotide variant.
Coding change: c.530A>C on transcript NM_000441.2 (MANE Select); coding-DNA position 530, A replaced by C.
Protein change: p.Asp177Ala; replaces aspartic acid 177 with alanine.
Molecular consequence: missense variant.
Genome position (GRCh38, 1-based): chr7:107,674,278, A>C. VCF-style: chr7-107674278-A-C. GRCh37 (hg19) VCF-style: chr7-107314723-A-C.
Other names: short protein forms D177A.
Identifiers: ClinVar variation 1065068 (VCV001065068.3), dbSNP rs1395069567, ClinGen allele CA368848208.

ClinVar aggregate classification (germline): Uncertain significance (1 of 4 stars; one submission).

Conditions:
Hearing impairment. Also called: Impaired Hearing. Identifiers: MedGen C1384666, MONDO:0005365, HP:0000365.

Allele frequency attached by ClinVar (database versions not stated): gnomAD 0.00001; gnomAD exomes 0.00001; TOPMed 0.00001.
gnomAD v4.1: 14 of 1,613,862 alleles (0.00087%); highest among the groups gnomAD compares: Admixed American, 0.005%; no homozygotes.

Submission:

Department of Otolaryngology – Head & Neck Surgery, Cochlear Implant Center
Classification: Uncertain significance for Hearing impairment. Last evaluated: 2021-04-12. Review status: criteria provided, single submitter. Criteria: ClinGen HL ACMG Specifications v1. Collection method: clinical testing. Allele origin: germline. Affected: yes.
Comment: PM_Moderate, PP3_Supporting